The following is an entry in ClinVar:

NM_000466.3(PEX1):c.2275T>C (p.Cys759Arg)

Gene: PEX1 (peroxisomal biogenesis factor 1; minus strand). Cytogenetic location: 7q21.2.
Variant type: single nucleotide variant.
Coding change: c.2275T>C on transcript NM_000466.3 (MANE Select); coding-DNA position 2275, T replaced by C.
Protein change: p.Cys759Arg; replaces cysteine 759 with arginine.
Molecular consequence: missense variant.
Genome position (GRCh38, 1-based): chr7:92,502,031, A>G on the plus strand (T>C on the coding strand, the complement: PEX1 is on the minus strand). VCF-style: chr7-92502031-A-G. GRCh37 (hg19) VCF-style: chr7-92131345-A-G.
Other names: c.2104T>C, p.Cys702Arg (NM_001282677.2); c.1651T>C, p.Cys551Arg (NM_001282678.2); short protein forms C702R, C551R, C759R.
Identifiers: ClinVar variation 2080605 (VCV002080605.1), dbSNP rs1791954832, ClinGen allele CA368178377.
Genomic context (GRCh38, chr7:92,502,031, plus strand): 5'-ACCCGCCAGTTTCTTTAGCTACATGCTGCAGGTCAAGATCGGTGAACTTGTTTATATCAC[A>G]GTCCAATTTATTTTTTATTACATTACACAGAATTTCACATCTTTGTTCCTAAAGAAAAAA-3'
Protein context (NP_000457.1, residues 749-769): LCNVIKNKLD[Cys759Arg]DINKFTDLDL

ClinVar aggregate classification (germline): Uncertain significance (1 of 4 stars; one submission).

Conditions:
Zellweger spectrum disorders (ZS). Also called: Zellweger Spectrum Disorder (ZSD); Zellweger Spectrum Disorder; Zellweger Spectrum; Zellweger syndrome. Identifiers: Orphanet 912, MedGen C0043459, MONDO:0019609.

gnomAD v4.1: 1 of 1,612,998 alleles (0.000062%); no homozygotes.

Submission:

Labcorp Genetics (formerly Invitae), Labcorp
Classification: Uncertain significance for Zellweger spectrum disorders. Last evaluated: 2022-11-01. Review status: criteria provided, single submitter. Criteria: Invitae Variant Classification Sherloc (09022015). Collection method: clinical testing. Allele origin: germline.
Comment: This sequence change replaces cysteine, which is neutral and slightly polar, with arginine, which is basic and polar, at codon 759 of the PEX1 protein (p.Cys759Arg). This variant is not present in population databases (gnomAD no frequency). This variant has not been reported in the literature in individuals affected with PEX1-related conditions. Advanced modeling of protein sequence and biophysical properties (such as structural, functional, and spatial information, amino acid conservation, physicochemical variation, residue mobility, and thermodynamic stability) performed at Invitae indicates that this missense variant is not expected to disrupt PEX1 protein function. In summary, the available evidence is currently insufficient to determine the role of this variant in disease. Therefore, it has been classified as a Variant of Uncertain Significance.